The following is an entry in ClinVar:

ClinVar aggregate classification (germline): Uncertain significance. Review status: criteria provided, multiple submitters, no conflicts (2 of 4 stars). 2 submissions from 2 submitters: Uncertain significance (2). Last evaluated 2025-05-16.

Conditions:
Hereditary nonpolyposis colorectal neoplasms. Identifiers: MedGen C0009405, MeSH D003123.
Hereditary cancer-predisposing syndrome. Also called: Neoplastic Syndromes, Hereditary; Tumor predisposition; Hereditary Cancer Syndrome; Hereditary neoplastic syndrome. Identifiers: Orphanet 140162, MedGen C0027672, MeSH D009386, MONDO:0015356.

Submissions (2):

Ambry Genetics
Classification: Uncertain significance for Hereditary cancer-predisposing syndrome. Last evaluated: 2025-05-16. Review status: criteria provided, single submitter. Criteria: Ambry Variant Classification Scheme 2023. Collection method: clinical testing. Allele origin: germline.
Comment: The p.I972T variant (also known as c.2915T>C), located in coding exon 4 of the MSH6 gene, results from a T to C substitution at nucleotide position 2915. The isoleucine at codon 972 is replaced by threonine, an amino acid with similar properties. This amino acid position is not well conserved in available vertebrate species. In addition, this alteration is predicted to be tolerated by in silico analysis. Based on the available evidence, the clinical significance of this variant remains unclear.

Labcorp Genetics (formerly Invitae), Labcorp
Classification: Uncertain significance for Hereditary nonpolyposis colorectal neoplasms. Last evaluated: 2023-11-27. Review status: criteria provided, single submitter. Criteria: Invitae Variant Classification Sherloc (09022015). Collection method: clinical testing. Allele origin: germline.
Comment: This sequence change replaces isoleucine, which is neutral and non-polar, with threonine, which is neutral and polar, at codon 972 of the MSH6 protein (p.Ile972Thr). This variant is not present in population databases (gnomAD no frequency). This variant has not been reported in the literature in individuals affected with MSH6-related conditions. ClinVar contains an entry for this variant (Variation ID: 1797623). Advanced modeling of protein sequence and biophysical properties (such as structural, functional, and spatial information, amino acid conservation, physicochemical variation, residue mobility, and thermodynamic stability) performed at Invitae indicates that this missense variant is not expected to disrupt MSH6 protein function with a negative predictive value of 95%. In summary, the available evidence is currently insufficient to determine the role of this variant in disease. Therefore, it has been classified as a Variant of Uncertain Significance.

NM_000179.3(MSH6):c.2915T>C (p.Ile972Thr)

Gene: MSH6 (mutS homolog 6; plus strand). Cytogenetic location: 2p16.3.
Variant type: single nucleotide variant.
Coding change: c.2915T>C on transcript NM_000179.3 (MANE Select); coding-DNA position 2915, T replaced by C.
Protein change: p.Ile972Thr; replaces isoleucine 972 with threonine.
Molecular consequence: missense variant.
Genome position (GRCh38, 1-based): chr2:47,800,898, T>C. VCF-style: chr2-47800898-T-C. GRCh37 (hg19) VCF-style: chr2-48028037-T-C.
Other names: c.2525T>C, p.Ile842Thr (NM_001281492.2); c.2009T>C, p.Ile670Thr (NM_001281493.2, NM_001281494.2, NM_001406811.1 and 6 more transcripts); c.3011T>C, p.Ile1004Thr (NM_001406795.1, NM_001406802.1); c.2915T>C, p.Ile972Thr (NM_001406796.1, NM_001406798.1, NM_001406800.1 and 2 more transcripts); c.2618T>C, p.Ile873Thr (NM_001406797.1, NM_001406801.1, NM_001406805.1 and 10 more transcripts); c.2390T>C, p.Ile797Thr (NM_001406799.1, NM_001406806.1, NM_001406807.1); c.2837T>C, p.Ile946Thr (NM_001406804.1); c.2921T>C, p.Ile974Thr (NM_001406813.1); and 2 more; short protein forms I842T, I1004T, I287T, I670T, I797T, I873T, I916T, I946T.
Identifiers: ClinVar variation 1797623 (VCV001797623.8), dbSNP rs1669527613, ClinGen allele CA346756169.
Genomic context (GRCh38, chr2:47,800,898, plus strand): 5'-TGGAATACCTAGAGAAACAGCGCAACAGAATTGGCTGTAGGACCATAGTCTATTGGGGGA[T>C]TGGTAGGAACCGTTACCAGCTGGAAATTCCTGAGAATTTCACCACTCGCAATTTGCCAGA-3'
Protein context (NP_000170.1, residues 962-982): IGCRTIVYWG[Ile972Thr]GRNRYQLEIP